The following is an entry in ClinVar:

NM_198503.5(KCNT2):c.2998A>T (p.Thr1000Ser)

Gene: KCNT2 (potassium sodium-activated channel subfamily T member 2; minus strand). Cytogenetic location: 1q31.3.
Variant type: single nucleotide variant.
Coding change: c.2998A>T on transcript NM_198503.5 (MANE Select); coding-DNA position 2998, A replaced by T.
Protein change: p.Thr1000Ser; replaces threonine 1000 with serine.
Molecular consequence: missense variant. On other transcripts: non-coding transcript variant (2).
Genome position (GRCh38, 1-based): chr1:196,258,407, T>A on the plus strand (A>T on the coding strand, the complement: KCNT2 is on the minus strand). VCF-style: chr1-196258407-T-A. GRCh37 (hg19) VCF-style: chr1-196227537-T-A.
Other names: c.2926A>T, p.Thr976Ser (NM_001287819.3); c.2797A>T, p.Thr933Ser (NM_001287820.3); short protein forms T1000S, T933S, T976S.
Identifiers: ClinVar variation 3573874 (VCV003573874.1).

ClinVar aggregate classification (germline): Uncertain significance (1 of 4 stars; one submission).

Submission:

GeneDx
Classification: Uncertain significance. Last evaluated: 2024-07-18. Review status: criteria provided, single submitter. Criteria: GeneDx Variant Classification Process June 2021. Collection method: clinical testing. Allele origin: germline. Affected: yes.
Comment: Not observed at significant frequency in large population cohorts (gnomAD); In silico analysis indicates that this missense variant does not alter protein structure/function; Has not been previously published as pathogenic or benign to our knowledge